The following is an entry in ClinVar:

NM_018192.4(P3H2):c.875C>G (p.Ala292Gly)

Gene: P3H2 (prolyl 3-hydroxylase 2; minus strand). Cytogenetic location: 3q28.
Variant type: single nucleotide variant.
Coding change: c.875C>G on transcript NM_018192.4 (MANE Select); coding-DNA position 875, C replaced by G.
Protein change: p.Ala292Gly; replaces alanine 292 with glycine.
Molecular consequence: missense variant.
Genome position (GRCh38, 1-based): chr3:189,988,987, G>C on the plus strand (C>G on the coding strand, the complement: P3H2 is on the minus strand). VCF-style: chr3-189988987-G-C. GRCh37 (hg19) VCF-style: chr3-189706776-G-C.
Other names: c.332C>G, p.Ala111Gly (NM_001134418.2); short protein forms A111G, A292G.
Identifiers: ClinVar variation 1005928 (VCV001005928.5), dbSNP rs1723794011, ClinGen allele CA355758783.

ClinVar aggregate classification (germline): Uncertain significance (1 of 4 stars; one submission).

Allele frequency attached by ClinVar (database versions not stated): gnomAD exomes below 0.00001; TOPMed below 0.00001.
gnomAD v4.1: 2 of 1,614,020 alleles (0.00012%); highest among the groups gnomAD compares: Non-Finnish European, 0.00017%; no homozygotes.

Submission:

Labcorp Genetics (formerly Invitae), Labcorp
Classification: Uncertain significance. Last evaluated: 2020-08-05. Review status: criteria provided, single submitter. Criteria: Invitae Variant Classification Sherloc (09022015). Collection method: clinical testing. Allele origin: germline.
Comment: This sequence change replaces alanine with glycine at codon 292 of the P3H2 protein (p.Ala292Gly). The alanine residue is highly conserved and there is a small physicochemical difference between alanine and glycine. This variant is not present in population databases (ExAC no frequency). This variant has not been reported in the literature in individuals with P3H2-related conditions. Algorithms developed to predict the effect of missense changes on protein structure and function are either unavailable or do not agree on the potential impact of this missense change (SIFT: "Deleterious"; PolyPhen-2: "Benign"; Align-GVGD: "Class C55"). In summary, the available evidence is currently insufficient to determine the role of this variant in disease. Therefore, it has been classified as a Variant of Uncertain Significance.